The following is an entry in ClinVar:

ClinVar aggregate classification (germline): Likely benign (0 of 4 stars; one submission).

Conditions:
NPHP1-related disorder. Also called: NPHP1-related disorders; NPHP1-related condition.

Submission:

PreventionGenetics, part of Exact Sciences
Classification: Likely benign for NPHP1-related condition. Last evaluated: 2021-12-23. Review status: no assertion criteria provided. Collection method: clinical testing. Allele origin: germline.
Comment: This variant is classified as likely benign based on ACMG/AMP sequence variant interpretation guidelines (Richards et al. 2015 PMID: 25741868, with internal and published modifications).

NM_001128178.3(NPHP1):c.327T>A (p.Thr109=)

Gene: NPHP1 (nephrocystin 1; minus strand). Cytogenetic location: 2q13.
Variant type: single nucleotide variant.
Coding change: c.327T>A on transcript NM_001128178.3 (MANE Select); coding-DNA position 327, T replaced by A.
Protein change: p.Thr109=; no amino-acid change (threonine 109 retained).
Molecular consequence: synonymous variant. On other transcripts: intron variant (1).
Genome position (GRCh38, 1-based): chr2:110,178,425, A>T on the plus strand (T>A on the coding strand, the complement: NPHP1 is on the minus strand). VCF-style: chr2-110178425-A-T. GRCh37 (hg19) VCF-style: chr2-110936002-A-T.
Other names: c.327T>A, p.Thr109= (NM_000272.5, NM_001374256.1, NM_001374257.1 and 1 more transcripts); c.144-8427T>A (NM_001128179.3).
Identifiers: ClinVar variation 3060240 (VCV003060240.2), dbSNP rs2467453994, ClinGen allele CA427919476.